The following is an entry in ClinVar:

NM_001267550.2(TTN):c.36859G>A (p.Ala12287Thr)

Gene: TTN (titin; minus strand). Cytogenetic location: 2q31.2.
Variant type: single nucleotide variant.
Coding change: c.36859G>A on transcript NM_001267550.2 (MANE Select); coding-DNA position 36859, G replaced by A.
Protein change: p.Ala12287Thr; replaces alanine 12287 with threonine.
Molecular consequence: missense variant. On other transcripts: intron variant (5).
Genome position (GRCh38, 1-based): chr2:178,662,744, C>T on the plus strand (G>A on the coding strand, the complement: TTN is on the minus strand). VCF-style: chr2-178662744-C-T. GRCh37 (hg19) VCF-style: chr2-179527471-C-T.
Other names: c.13283-20427G>A (NM_003319.4); c.13859-20427G>A (NM_133437.4); c.13658-20427G>A (NM_133432.3); c.31573+222G>A (NM_133378.4); c.34354+222G>A (NM_001256850.1); short protein forms A12287T.
Identifiers: ClinVar variation 3250929 (VCV003250929.18), dbSNP rs2064980635.

ClinVar aggregate classification (germline): Uncertain significance (1 of 4 stars; one submission).

Submission:

CeGaT Center for Human Genetics Tuebingen
Classification: Uncertain significance. Last evaluated: 2024-06-01. Review status: criteria provided, single submitter. Criteria: CeGaT Center For Human Genetics Tuebingen Variant Classification Criteria Version 2. Collection method: clinical testing. Allele origin: germline. Affected: yes. Observed: 1 variant allele.
Comment: TTN: PM2, BP4